The following is an entry in ClinVar:

NM_001009944.3(PKD1):c.734del (p.Leu245fs)

Gene: PKD1 (polycystin 1, transient receptor potential channel interacting; minus strand). Cytogenetic location: 16p13.3.
Variant type: Deletion.
Coding change: c.734del on transcript NM_001009944.3 (MANE Select); coding-DNA position 734, one base deleted (T; older notation c.734delT).
Protein change: p.Leu245fs; shifts the reading frame from leucine 245.
Molecular consequence: frameshift variant.
Genome position (GRCh38, 1-based): chr16:2,118,258, A deleted on the plus strand (T on the coding strand, the reverse complement: PKD1 is on the minus strand). VCF-style (leftmost placement, unchanged base first): chr16-2118257-CA-C. GRCh37 (hg19) VCF-style: chr16-2168258-CA-C.
Other names: c.734delT (NM_001009944.3); c.734del, p.Leu245fs (NM_000296.4); short protein forms L245fs.
Identifiers: ClinVar variation 4847737 (VCV004847737.1).

ClinVar aggregate classification (germline): Pathogenic (1 of 4 stars; one submission).

Conditions:
Polycystic kidney disease, adult type (PKD1). Also called: Polycystic Kidney Disease 1, Autosomal Dominant; Polycystic kidney disease 1; Polycystic kidney disease 1, severe; POLYCYSTIC KIDNEY DISEASE 1 WITH OR WITHOUT POLYCYSTIC LIVER DISEASE; POLYCYSTIC KIDNEY DISEASE, ADULT, TYPE I; Polycystic Kidney, Autosomal Dominant. Identifiers: MedGen C3149841, MONDO:0008263, OMIM 173900.

Submission:

Women's Health and Genetics/Laboratory Corporation of America, LabCorp
Classification: Pathogenic for Polycystic kidney disease, adult type. Last evaluated: 2026-03-24. Review status: criteria provided, single submitter. Criteria: LabCorp Variant Classification Summary - May 2015. Collection method: clinical testing. Allele origin: germline.
Comment: Variant summary: PKD1 c.734delT (p.Leu245ArgfsX45) results in a premature termination codon, predicted to cause a truncation of the encoded protein or absence of the protein due to nonsense mediated decay, which are commonly known mechanisms for disease. The variant was absent in 140376 control chromosomes. To our knowledge, no occurrence of c.734delT in individuals affected with PKD1-related conditions and no experimental evidence demonstrating its impact on protein function have been reported. No submitters have cited clinical-significance assessments for this variant to ClinVar. Based on the evidence outlined above, the variant was classified as pathogenic.